The following is an entry in ClinVar:

ClinVar aggregate classification (germline): Uncertain significance (1 of 4 stars; one submission).

gnomAD v4.1: 1 of 1,613,820 alleles (0.000062%); no homozygotes.

Submission:

Labcorp Genetics (formerly Invitae), Labcorp
Classification: Uncertain significance. Last evaluated: 2022-06-04. Review status: criteria provided, single submitter. Criteria: Invitae Variant Classification Sherloc (09022015). Collection method: clinical testing. Allele origin: germline.
Comment: This sequence change replaces serine, which is neutral and polar, with asparagine, which is neutral and polar, at codon 75 of the USH2A protein (p.Ser75Asn). This variant is present in population databases (no rsID available, gnomAD 0.03%). This variant has not been reported in the literature in individuals affected with USH2A-related conditions. Algorithms developed to predict the effect of missense changes on protein structure and function (SIFT, PolyPhen-2, Align-GVGD) all suggest that this variant is likely to be tolerated. In summary, the available evidence is currently insufficient to determine the role of this variant in disease. Therefore, it has been classified as a Variant of Uncertain Significance.

NM_206933.4(USH2A):c.224G>A (p.Ser75Asn)

Gene: USH2A (usherin; minus strand). Cytogenetic location: 1q41.
Variant type: single nucleotide variant.
Coding change: c.224G>A on transcript NM_206933.4 (MANE Select); coding-DNA position 224, G replaced by A.
Protein change: p.Ser75Asn; replaces serine 75 with asparagine.
Molecular consequence: missense variant.
Genome position (GRCh38, 1-based): chr1:216,422,113, C>T on the plus strand (G>A on the coding strand, the complement: USH2A is on the minus strand). VCF-style: chr1-216422113-C-T. GRCh37 (hg19) VCF-style: chr1-216595455-C-T.
Other names: c.224G>A, p.Ser75Asn (NM_007123.6); short protein forms S75N.
Identifiers: ClinVar variation 1961773 (VCV001961773.5), dbSNP rs768424417, ClinGen allele CA344904464.